The following is an entry in ClinVar:

ClinVar aggregate classification (germline): Uncertain significance (1 of 4 stars; one submission).

Submission:

Labcorp Genetics (formerly Invitae), Labcorp
Classification: Uncertain significance. Last evaluated: 2023-07-17. Review status: criteria provided, single submitter. Criteria: Invitae Variant Classification Sherloc (09022015). Collection method: clinical testing. Allele origin: germline.
Comment: In summary, the available evidence is currently insufficient to determine the role of this variant in disease. Therefore, it has been classified as a Variant of Uncertain Significance. This variant has not been reported in the literature in individuals affected with CCDC50-related conditions. This variant is present in population databases (rs774230614, gnomAD 0.0009%). This sequence change creates a premature translational stop signal (p.Val177Glufs*31) in the CCDC50 gene. It is expected to result in an absent or disrupted protein product. However, the current clinical and genetic evidence is not sufficient to establish whether loss-of-function variants in CCDC50 cause disease.

NM_178335.3(CCDC50):c.530_531del (p.Val177fs)

Gene: CCDC50 (coiled-coil domain containing 50; plus strand). Cytogenetic location: 3q28.
Variant type: Microsatellite.
Coding change: c.530_531del on transcript NM_178335.3 (MANE Select); coding-DNA positions 530 to 531, 2 bases deleted (TG; older notation c.530_531delTG).
Protein change: p.Val177fs; shifts the reading frame from valine 177.
Molecular consequence: frameshift variant. On other transcripts: intron variant (1).
Genome position (GRCh38, 1-based): chr3:191,375,143-191,375,144, TG deleted; deleting any 2 consecutive bases within chr3:191,375,141-191,375,144 gives the same sequence; the c. name uses the placement nearest the transcript's 3' end. VCF-style (leftmost placement, unchanged base first): chr3-191375140-CTG-C. GRCh37 (hg19) VCF-style: chr3-191092929-CTG-C.
Other names: c.449-5016_449-5015del (NM_174908.4); short protein forms V177fs.
Identifiers: ClinVar variation 1440070 (VCV001440070.6), dbSNP rs774230614, ClinGen allele CA2755277.